The following is an entry in ClinVar:

NM_020822.3(KCNT1):c.2349+325_2349+326insA

Gene: KCNT1 (potassium sodium-activated channel subfamily T member 1; plus strand). Cytogenetic location: 9q34.3.
Variant type: Insertion.
Coding change: c.2349+325_2349+326insA on transcript NM_020822.3 (MANE Select); bases 325 to 326 of the intron after coding-DNA position 2349, A inserted.
Molecular consequence: intron variant.
Genome position: GRCh38 VCF-style: chr9-135775740-C-CA. GRCh37 (hg19) VCF-style: chr9-138667586-C-CA.
Other names: c.2214+325_2214+326insA (NM_001272003.2).
Identifiers: ClinVar variation 671969 (VCV000671969.1), dbSNP rs145386249, ClinGen allele CA201476315.
Genomic context (GRCh38, chr9:135,775,740, plus strand): 5'-GCCACCACACCCCTTTCCCCTAATACATCTACATGCGTTCCCAAAGATCAAGAACCATCT[C>CA]GTAACTACAGCTCATTAGGACAGGGACCCCGGCCCGGCATGGGTGTCTGATCCACAGTCC-3'

ClinVar aggregate classification (germline): Benign (1 of 4 stars; one submission).

Allele frequency attached by ClinVar (database versions not stated): 1000 Genomes Project 0.03275; 1000 Genomes Project 30x 0.03498; gnomAD 0.03580 and 0.03667.

Submission:

GeneDx
Classification: Benign. Last evaluated: 2018-06-19. Review status: criteria provided, single submitter. Criteria: GeneDx Variant Classification (06012015). Collection method: clinical testing. Allele origin: germline. Affected: yes.
Comment: This variant is considered likely benign or benign based on one or more of the following criteria: it is a conservative change, it occurs at a poorly conserved position in the protein, it is predicted to be benign by multiple in silico algorithms, and/or has population frequency not consistent with disease.